The following is an entry in ClinVar:

ClinVar aggregate classification (germline): Uncertain significance. Review status: criteria provided, multiple submitters, no conflicts (2 of 4 stars). 3 submissions from 3 submitters: Uncertain significance (3). Last evaluated 2024-11-24.

Conditions:
Inborn genetic diseases. Identifiers: MedGen C0950123, MeSH D030342.
Pyridoxine-dependent epilepsy (EPEO4). Also called: Pyridoxine-Dependent Seizures; PYRIDOXINE DEPENDENCY WITH SEIZURES; EPILEPSY, EARLY-ONSET, 4, VITAMIN B6-DEPENDENT; Pyridoxine-Dependent Epilepsy - ALDH7A1. Identifiers: Orphanet 3006, MedGen C1849508, MONDO:0009945, OMIM 266100. Disease mechanism: loss of function.

Allele frequency attached by ClinVar (database versions not stated): gnomAD 0.00003; 1000 Genomes Project 30x 0.00016; TOPMed 0.00003; 1000 Genomes Project 0.00020.
gnomAD v4.1: 21 of 1,614,126 alleles (0.0013%); highest among the groups gnomAD compares: Admixed American, 0.012%; no homozygotes.

Submissions (3):

Ambry Genetics
Classification: Uncertain significance for Inborn genetic diseases. Last evaluated: 2024-11-24. Review status: criteria provided, single submitter. Criteria: Ambry Variant Classification Scheme 2023. Collection method: clinical testing. Allele origin: germline.

Genome-Nilou Lab
Classification: Uncertain significance for Pyridoxine-dependent epilepsy. Last evaluated: 2023-04-11. Review status: criteria provided, single submitter. Criteria: ACMG Guidelines, 2015. Collection method: clinical testing. Allele origin: germline. Affected: no.

Labcorp Genetics (formerly Invitae), Labcorp
Classification: Uncertain significance for Pyridoxine-dependent epilepsy. Last evaluated: 2022-10-25. Review status: criteria provided, single submitter. Criteria: Invitae Variant Classification Sherloc (09022015). Collection method: clinical testing. Allele origin: germline.
Comment: This sequence change replaces alanine, which is neutral and non-polar, with glycine, which is neutral and non-polar, at codon 120 of the ALDH7A1 protein (p.Ala120Gly). This variant is present in population databases (rs549279821, gnomAD 0.02%). This variant has not been reported in the literature in individuals affected with ALDH7A1-related conditions. ClinVar contains an entry for this variant (Variation ID: 465329). Advanced modeling of protein sequence and biophysical properties (such as structural, functional, and spatial information, amino acid conservation, physicochemical variation, residue mobility, and thermodynamic stability) performed at Invitae indicates that this missense variant is expected to disrupt ALDH7A1 protein function. In summary, the available evidence is currently insufficient to determine the role of this variant in disease. Therefore, it has been classified as a Variant of Uncertain Significance.

NM_001182.5(ALDH7A1):c.359C>G (p.Ala120Gly)

Gene: ALDH7A1 (aldehyde dehydrogenase 7 family member A1; minus strand). Cytogenetic location: 5q23.2.
Variant type: single nucleotide variant.
Coding change: c.359C>G on transcript NM_001182.5 (MANE Select); coding-DNA position 359, C replaced by G.
Protein change: p.Ala120Gly; replaces alanine 120 with glycine.
Molecular consequence: missense variant.
Genome position (GRCh38, 1-based): chr5:126,583,966, G>C on the plus strand (C>G on the coding strand, the complement: ALDH7A1 is on the minus strand). VCF-style: chr5-126583966-G-C. GRCh37 (hg19) VCF-style: chr5-125919658-G-C.
Other names: c.275C>G, p.Ala92Gly (NM_001201377.2); c.359C>G, p.Ala120Gly (NM_001202404.2); short protein forms A120G, A92G.
Identifiers: ClinVar variation 465329 (VCV000465329.8), dbSNP rs549279821, ClinGen allele CA3389790.